The following is an entry in ClinVar:

NM_021076.4(NEFH):c.2015CAGAAGCAAAGTCCCCTGAGAAGGCCAAGTCCCCAGTGAAGG[3] (p.Lys699_Glu700insAlaGluAlaLysSerProGluLysAlaLysSerProValLys)

Gene: NEFH (neurofilament heavy chain; plus strand). Cytogenetic location: 22q12.2.
Variant type: Microsatellite.
Coding change: c.2015CAGAAGCAAAGTCCCCTGAGAAGGCCAAGTCCCCAGTGAAGG[3] on transcript NM_021076.4 (MANE Select); three copies in a row of the 42-base unit CAGAAGCAAAGTCCCCTGAGAAGGCCAAGTCCCCAGTGAAGG starting at c.2015; the reference has two copies in a row; one copy, 42 bases duplicated; also written c.2057_2098dup.
Protein change: p.Lys699_Glu700insAlaGluAlaLysSerProGluLysAlaLysSerProValLys.
Genome position (GRCh38, 1-based): chr22:29,489,697-29,489,738, 42 bases duplicated; duplicating any 42 consecutive bases within chr22:29,489,621-29,489,738 gives the same sequence; the position shown is the placement nearest the transcript's 3' end. GRCh37 (hg19), VCF-style position (the base before the change): chr22:29,885,609.
Other names: c.2057_2098dup (NM_021076.4).
Identifiers: ClinVar variation 4687913 (VCV004687913.1).

ClinVar aggregate classification (germline): Uncertain significance (1 of 4 stars; one submission).

Conditions:
Charcot-Marie-Tooth disease axonal type 2CC. Also called: CHARCOT-MARIE-TOOTH NEUROPATHY, TYPE 2CC. Identifiers: MedGen C4310790, MONDO:0014836, OMIM 616924.

Submission:

Human Genetics Bochum, Ruhr University Bochum
Classification: Uncertain significance for Charcot-Marie-Tooth disease axonal type 2CC. Last evaluated: 2025-04-16. Review status: criteria provided, single submitter. Criteria: ACMG Guidelines, 2015. Collection method: clinical testing. Allele origin: germline. Affected: yes.
Comment: ACMG criteria used to clasify this variant: PM4, PM2_SUP